The following is an entry in ClinVar:

NM_000199.5(SGSH):c.949+168A>G

Gene: SGSH (N-sulfoglucosamine sulfohydrolase; minus strand). Cytogenetic location: 17q25.3.
Variant type: single nucleotide variant.
Coding change: c.949+168A>G on transcript NM_000199.5 (MANE Select); 168 bases into the intron after coding-DNA position 949, A replaced by G.
Molecular consequence: intron variant. On other transcripts: missense variant (1).
Genome position (GRCh38, 1-based): chr17:80,211,903, T>C on the plus strand (A>G on the coding strand, the complement: SGSH is on the minus strand). VCF-style: chr17-80211903-T-C. GRCh37 (hg19) VCF-style: chr17-78185702-T-C.
Other names: c.970A>G, p.Arg324Gly (NM_001352922.2); c.949+168A>G (NM_001352921.3); short protein forms R324G.
Identifiers: ClinVar variation 4990880 (VCV004990880.1).
Genomic context (GRCh38, chr17:80,211,903, plus strand): 5'-GGCGAGAATCCTAGCTTAGTGCTTACCAGCTGTGCAATCCTGAGCAGCTTACTTCACCTC[T>C]CTGAGCCTCATTCTTTTCCTCTGTAGAGTGGGAGTGACAGTCCCTTCCTCACCCAGATGA-3'

ClinVar aggregate classification (germline): Likely benign (1 of 4 stars; one submission).

Conditions:
SGSH-related disorder. Also called: SGSH-related condition.

gnomAD v4.1: 117 of 673,488 alleles (0.017%); highest among the groups gnomAD compares: African/African-American, 0.19%; 1 homozygote.

Submission:

PreventionGenetics, part of Exact Sciences
Classification: Likely benign for SGSH-related condition. Last evaluated: 2024-11-27. Review status: criteria provided, single submitter. Criteria: ACMG Guidelines, 2015. Collection method: clinical testing. Allele origin: germline.
Comment: This variant is classified as likely benign based on ACMG/AMP sequence variant interpretation guidelines (Richards et al. 2015 PMID: 25741868, with internal and published modifications).